The following is an entry in ClinVar:

ClinVar aggregate classification (germline): Uncertain significance (1 of 4 stars; one submission).

Conditions:
Distal myopathy with posterior leg and anterior hand involvement. Also called: WILLIAMS DISTAL MYOPATHY. Identifiers: Orphanet 63273, MedGen C3279722, MONDO:0013550, OMIM 614065.
Hypertrophic cardiomyopathy 26. Also called: Cardiomyopathy, familial hypertrophic, 26. Identifiers: Orphanet 75249, MedGen C4310749, MONDO:0014883, OMIM 617047.
Myofibrillar myopathy 5. Also called: Filaminopathy (type); FILAMINOPATHY, AUTOSOMAL DOMINANT. Identifiers: Orphanet 171445, MedGen C1836050, MONDO:0012289, OMIM 609524.

Submission:

Labcorp Genetics (formerly Invitae), Labcorp
Classification: Uncertain significance for Distal myopathy with posterior leg and anterior hand involvement; Myofibrillar myopathy 5; Hypertrophic cardiomyopathy 26. Last evaluated: 2022-10-25. Review status: criteria provided, single submitter. Criteria: Invitae Variant Classification Sherloc (09022015). Collection method: clinical testing. Allele origin: germline.
Comment: This sequence change replaces methionine, which is neutral and non-polar, with lysine, which is basic and polar, at codon 1606 of the FLNC protein (p.Met1606Lys). This variant is not present in population databases (gnomAD no frequency). In summary, the available evidence is currently insufficient to determine the role of this variant in disease. Therefore, it has been classified as a Variant of Uncertain Significance. Advanced modeling of protein sequence and biophysical properties (such as structural, functional, and spatial information, amino acid conservation, physicochemical variation, residue mobility, and thermodynamic stability) has been performed at Invitae for this missense variant, however the output from this modeling did not meet the statistical confidence thresholds required to predict the impact of this variant on FLNC protein function. ClinVar contains an entry for this variant (Variation ID: 1006004). This variant has not been reported in the literature in individuals affected with FLNC-related conditions.

NM_001458.5(FLNC):c.4817T>A (p.Met1606Lys)

Gene: FLNC (filamin C; plus strand). Cytogenetic location: 7q32.1.
Variant type: single nucleotide variant.
Coding change: c.4817T>A on transcript NM_001458.5 (MANE Select); coding-DNA position 4817, T replaced by A.
Protein change: p.Met1606Lys; replaces methionine 1606 with lysine.
Molecular consequence: missense variant.
Genome position (GRCh38, 1-based): chr7:128,848,872, T>A. VCF-style: chr7-128848872-T-A. GRCh37 (hg19) VCF-style: chr7-128488926-T-A.
Other names: c.4817T>A, p.Met1606Lys (NM_001127487.2); short protein forms M1606K.
Identifiers: ClinVar variation 1006004 (VCV001006004.11), dbSNP rs1808683017, ClinGen allele CA369203189.